The following is an entry in ClinVar:

ClinVar aggregate classification (germline): Uncertain significance (1 of 4 stars; one submission).

Conditions:
Hereditary cancer-predisposing syndrome. Also called: Tumor predisposition; Neoplastic Syndromes, Hereditary; Hereditary neoplastic syndrome; Hereditary Cancer Syndrome. Identifiers: Orphanet 140162, MedGen C0027672, MeSH D009386, MONDO:0015356.

Submission:

Ambry Genetics
Classification: Uncertain significance for Hereditary cancer-predisposing syndrome. Last evaluated: 2024-09-15. Review status: criteria provided, single submitter. Criteria: Ambry Variant Classification Scheme 2023. Collection method: clinical testing. Allele origin: germline.
Comment: The p.Y462F variant (also known as c.1385A>T), located in coding exon 12 of the SUFU gene, results from an A to T substitution at nucleotide position 1385. The tyrosine at codon 462 is replaced by phenylalanine, an amino acid with highly similar properties. This amino acid position is conserved. In addition, this alteration is predicted to be tolerated by in silico analysis. Based on the available evidence, the clinical significance of this variant remains unclear.

NM_016169.4(SUFU):c.1385A>T (p.Tyr462Phe)

Gene: SUFU (SUFU negative regulator of hedgehog signaling; plus strand). Cytogenetic location: 10q24.32.
Variant type: single nucleotide variant.
Coding change: c.1385A>T on transcript NM_016169.4 (MANE Select); coding-DNA position 1385, A replaced by T.
Protein change: p.Tyr462Phe; replaces tyrosine 462 with phenylalanine.
Molecular consequence: missense variant.
Genome position (GRCh38, 1-based): chr10:102,630,085, A>T. VCF-style: chr10-102630085-A-T. GRCh37 (hg19) VCF-style: chr10-104389842-A-T.
Other names: short protein forms Y462F.
Identifiers: ClinVar variation 3451133 (VCV003451133.1).